The following is an entry in ClinVar:

NM_031407.7(HUWE1):c.4231C>T (p.Arg1411Trp)

Gene: HUWE1 (HECT, UBA and WWE domain containing E3 ubiquitin protein ligase 1; minus strand). Cytogenetic location: Xp11.22.
Variant type: single nucleotide variant.
Coding change: c.4231C>T on transcript NM_031407.7 (MANE Select); coding-DNA position 4231, C replaced by T.
Protein change: p.Arg1411Trp; replaces arginine 1411 with tryptophan.
Molecular consequence: missense variant.
Genome position (GRCh38, 1-based): chrX:53,589,777, G>A on the plus strand (C>T on the coding strand, the complement: HUWE1 is on the minus strand). VCF-style: chrX-53589777-G-A. GRCh37 (hg19) VCF-style: chrX-53616737-G-A.
Other names: short protein forms R1411W.
Identifiers: ClinVar variation 1304378 (VCV001304378.2), dbSNP rs1325872946, ClinGen allele CA413176799.

ClinVar aggregate classification (germline): Uncertain significance (1 of 4 stars; one submission).

Allele frequency attached by ClinVar (database versions not stated): gnomAD 0.00001; TOPMed 0.00002.
gnomAD v4.1: 6 of 1,208,105 alleles (0.0005%); highest among the groups gnomAD compares: Non-Finnish European, 0.00067%; no homozygotes.

Submission:

GeneDx
Classification: Uncertain significance. Last evaluated: 2020-06-16. Review status: criteria provided, single submitter. Criteria: GeneDx Variant Classification Process June 2021. Collection method: clinical testing. Allele origin: germline. Affected: yes.
Comment: Not observed in large population cohorts (Lek et al., 2016); In silico analysis supports that this missense variant has a deleterious effect on protein structure/function; Has not been previously published as pathogenic or benign to our knowledge